The following is an entry in ClinVar:

ClinVar aggregate classification (germline): Uncertain significance. Review status: criteria provided, multiple submitters, no conflicts (2 of 4 stars). 2 submissions from 2 submitters: Uncertain significance (2). Last evaluated 2025-12-09.

Conditions:
Bethlem myopathy 1A. Also called: MYOPATHY, BENIGN CONGENITAL, WITH CONTRACTURES; Bethlem Muscular Dystrophy; Bethlem myopathy 1. Identifiers: Orphanet 610, MedGen CN029274, MONDO:0024530, OMIM 158810.
Inborn genetic diseases. Identifiers: MedGen C0950123, MeSH D030342.

Allele frequency attached by ClinVar (database versions not stated): TOPMed 0.00001.
gnomAD v4.1: 4 of 1,614,150 alleles (0.00025%); highest among the groups gnomAD compares: Non-Finnish European, 0.00025%; no homozygotes.

Submissions (2):

Ambry Genetics
Classification: Uncertain significance for Inborn genetic diseases. Last evaluated: 2025-12-09. Review status: criteria provided, single submitter. Criteria: Ambry Variant Classification Scheme 2023. Collection method: clinical testing. Allele origin: germline.

Labcorp Genetics (formerly Invitae), Labcorp
Classification: Uncertain significance for Bethlem myopathy 1A. Last evaluated: 2024-11-18. Review status: criteria provided, single submitter. Criteria: Invitae Variant Classification Sherloc (09022015). Collection method: clinical testing. Allele origin: germline.
Comment: This sequence change replaces glycine, which is neutral and non-polar, with serine, which is neutral and polar, at codon 1469 of the COL6A3 protein (p.Gly1469Ser). This variant is present in population databases (no rsID available, gnomAD 0.0009%). This variant has not been reported in the literature in individuals affected with COL6A3-related conditions. ClinVar contains an entry for this variant (Variation ID: 846996). Invitae Evidence Modeling of protein sequence and biophysical properties (such as structural, functional, and spatial information, amino acid conservation, physicochemical variation, residue mobility, and thermodynamic stability) indicates that this missense variant is not expected to disrupt COL6A3 protein function with a negative predictive value of 80%. In summary, the available evidence is currently insufficient to determine the role of this variant in disease. Therefore, it has been classified as a Variant of Uncertain Significance.

NM_004369.4(COL6A3):c.4405G>A (p.Gly1469Ser)

Gene: COL6A3 (collagen type VI alpha 3 chain; minus strand). Cytogenetic location: 2q37.3.
Variant type: single nucleotide variant.
Coding change: c.4405G>A on transcript NM_004369.4 (MANE Select); coding-DNA position 4405, G replaced by A.
Protein change: p.Gly1469Ser; replaces glycine 1469 with serine.
Molecular consequence: missense variant.
Genome position (GRCh38, 1-based): chr2:237,369,058, C>T on the plus strand (G>A on the coding strand, the complement: COL6A3 is on the minus strand). VCF-style: chr2-237369058-C-T. GRCh37 (hg19) VCF-style: chr2-238277701-C-T.
Other names: c.2584G>A, p.Gly862Ser (NM_057166.5); c.3787G>A, p.Gly1263Ser (NM_057167.4); short protein forms G1469S, G862S, G1263S.
Identifiers: ClinVar variation 846996 (VCV000846996.11), dbSNP rs771199614, ClinGen allele CA67816806.